The following is an entry in ClinVar:

ClinVar aggregate classification (germline): Benign/Likely benign. Review status: criteria provided, multiple submitters, no conflicts (2 of 4 stars). 3 submissions from 3 submitters: Benign (1); Likely benign (2). Last evaluated 2026-01-05.

Conditions:
Hereditary nonpolyposis colorectal neoplasms. Identifiers: MedGen C0009405, MeSH D003123.
Lynch syndrome 5 (LYNCH5). Also called: Colorectal cancer, hereditary nonpolyposis, type 5; Hereditary non-polyposis colorectal cancer, type 5. Identifiers: Orphanet 144, MedGen C1833477, MONDO:0013710, OMIM 614350. Disease mechanism: loss of function.
Hereditary cancer-predisposing syndrome. Also called: Hereditary Cancer Syndrome; Hereditary neoplastic syndrome; Neoplastic Syndromes, Hereditary; Tumor predisposition. Identifiers: Orphanet 140162, MedGen C0027672, MeSH D009386, MONDO:0015356.

Submissions (3):

Labcorp Genetics (formerly Invitae), Labcorp
Classification: Likely benign for Hereditary nonpolyposis colorectal neoplasms. Last evaluated: 2026-01-05. Review status: criteria provided, single submitter. Criteria: Invitae Variant Classification Sherloc (09022015). Collection method: clinical testing. Allele origin: germline.

Ambry Genetics
Classification: Likely benign for Hereditary cancer-predisposing syndrome. Last evaluated: 2025-04-06. Review status: criteria provided, single submitter. Criteria: Ambry Variant Classification Scheme 2023. Collection method: clinical testing. Allele origin: germline.

Myriad Genetics, Inc.
Classification: Benign for Lynch syndrome 5. Last evaluated: 2024-12-19. Review status: criteria provided, single submitter. Criteria: Myriad Autosomal Dominant, Autosomal Recessive and X-Linked Classification Criteria (2023). Collection method: clinical testing. Allele origin: unknown.
Comment: This variant is considered benign. This variant is a silent/synonymous amino acid change and it is not expected to impact splicing.

NM_000179.3(MSH6):c.726C>T (p.Ser242=)

Gene: MSH6 (mutS homolog 6; plus strand). Cytogenetic location: 2p16.3.
Variant type: single nucleotide variant.
Coding change: c.726C>T on transcript NM_000179.3 (MANE Select); coding-DNA position 726, C replaced by T.
Protein change: p.Ser242=; no amino-acid change (serine 242 retained).
Molecular consequence: synonymous variant. On other transcripts: 5 prime UTR variant (9), non-coding transcript variant (4), intron variant (1).
Genome position (GRCh38, 1-based): chr2:47,798,709, C>T. VCF-style: chr2-47798709-C-T. GRCh37 (hg19) VCF-style: chr2-48025848-C-T.
Other names: c.336C>T, p.Ser112= (NM_001281492.2); c.-181C>T (NM_001281493.2, NM_001281494.2, NM_001406811.1 and 6 more transcripts); c.822C>T, p.Ser274= (NM_001406795.1, NM_001406802.1); c.726C>T, p.Ser242= (NM_001406796.1, NM_001406798.1, NM_001406800.1 and 4 more transcripts); c.429C>T, p.Ser143= (NM_001406797.1, NM_001406801.1, NM_001406805.1 and 10 more transcripts); c.201C>T, p.Ser67= (NM_001406799.1, NM_001406806.1, NM_001406807.1); c.648C>T, p.Ser216= (NM_001406804.1); c.732C>T, p.Ser244= (NM_001406813.1); and 2 more.
Identifiers: ClinVar variation 3903907 (VCV003903907.3).